The following is an entry in ClinVar:

ClinVar aggregate classification (germline): Uncertain significance (1 of 4 stars; one submission).

Allele frequency attached by ClinVar (database versions not stated): gnomAD exomes below 0.00001.
gnomAD v4.1: 4 of 1,614,120 alleles (0.00025%); highest among the groups gnomAD compares: South Asian, 0.0044%; no homozygotes.

Submission:

Labcorp Genetics (formerly Invitae), Labcorp
Classification: Uncertain significance. Last evaluated: 2022-03-24. Review status: criteria provided, single submitter. Criteria: Invitae Variant Classification Sherloc (09022015). Collection method: clinical testing. Allele origin: germline.
Comment: In summary, the available evidence is currently insufficient to determine the role of this variant in disease. Therefore, it has been classified as a Variant of Uncertain Significance. Algorithms developed to predict the effect of sequence changes on RNA splicing suggest that this variant may disrupt the consensus splice site. Algorithms developed to predict the effect of missense changes on protein structure and function output the following: SIFT: "Tolerated"; PolyPhen-2: "Benign"; Align-GVGD: "Class C0". The lysine amino acid residue is found in multiple mammalian species, which suggests that this missense change does not adversely affect protein function. This variant has not been reported in the literature in individuals affected with VAV1-related conditions. This variant is present in population databases (no rsID available, gnomAD 0.003%). This sequence change replaces asparagine, which is neutral and polar, with lysine, which is basic and polar, at codon 653 of the VAV1 protein (p.Asn653Lys).

NM_005428.4(VAV1):c.1959C>A (p.Asn653Lys)

Gene: VAV1 (vav guanine nucleotide exchange factor 1; plus strand). Cytogenetic location: 19p13.3.
Variant type: single nucleotide variant.
Coding change: c.1959C>A on transcript NM_005428.4 (MANE Select); coding-DNA position 1959, C replaced by A.
Protein change: p.Asn653Lys; replaces asparagine 653 with lysine.
Molecular consequence: missense variant. On other transcripts: intron variant (1).
Genome position (GRCh38, 1-based): chr19:6,837,029, C>A. VCF-style: chr19-6837029-C-A. GRCh37 (hg19) VCF-style: chr19-6837040-C-A.
Other names: c.1863C>A, p.Asn621Lys (NM_001258207.2); c.1914+461C>A (NM_001258206.2); short protein forms N621K, N653K.
Identifiers: ClinVar variation 2039164 (VCV002039164.4), dbSNP rs1440772258, ClinGen allele CA403632415.
Genomic context (GRCh38, chr19:6,837,029, plus strand): 5'-TCTCCTGGGTGTTTAGGGCAGAAATACATCTACTAATGAAATTGGCTGGTTTCCTTGTAA[C>A]AGGGTGAAGCCCTATGTCCATGTGAGTGCCTCAAGTCTGAATGGAATAAGGGCAAGGGGT-3'
Protein context (NP_005419.2, residues 643-663): STNEIGWFPC[Asn653Lys]RVKPYVHGPP